The following is an entry in ClinVar:

ClinVar aggregate classification (germline): Uncertain significance (1 of 4 stars; one submission).

Conditions:
Myopathy, proximal, and ophthalmoplegia (CMYO6). Also called: MYOPATHY WITH CONGENITAL JOINT CONTRACTURES, OPHTHALMOPLEGIA, AND RIMMED VACUOLES; INCLUSION BODY MYOPATHY 3, AUTOSOMAL DOMINANT; CONGENITAL MYOPATHY 6 WITH OPHTHALMOPLEGIA. Identifiers: Orphanet 363677, Orphanet 79091, MedGen C1854106, MONDO:0011577, OMIM 605637.

Allele frequency attached by ClinVar (database versions not stated): TOPMed below 0.00001.

Submission:

Labcorp Genetics (formerly Invitae), Labcorp
Classification: Uncertain significance for Myopathy, proximal, and ophthalmoplegia. Last evaluated: 2020-08-14. Review status: criteria provided, single submitter. Criteria: Invitae Variant Classification Sherloc (09022015). Collection method: clinical testing. Allele origin: germline.
Comment: This sequence change replaces glutamine with arginine at codon 1744 of the MYH2 protein (p.Gln1744Arg). The glutamine residue is highly conserved and there is a small physicochemical difference between glutamine and arginine. This variant is not present in population databases (ExAC no frequency). This variant has not been reported in the literature in individuals with MYH2-related conditions. Algorithms developed to predict the effect of missense changes on protein structure and function are either unavailable or do not agree on the potential impact of this missense change (SIFT: Deleterious; PolyPhen-2: Benign; Align-GVGD: Class C3). In summary, the available evidence is currently insufficient to determine the role of this variant in disease. Therefore, it has been classified as a Variant of Uncertain Significance. 5

NM_017534.6(MYH2):c.5231A>G (p.Gln1744Arg)

Genes: MYHAS (myosin heavy chain gene cluster antisense RNA; plus strand), MYH2 (myosin heavy chain 2; minus strand). Cytogenetic location: 17p13.1.
Variant type: single nucleotide variant.
Coding change: c.5231A>G on transcript NM_017534.6 (MANE Select); coding-DNA position 5231, A replaced by G.
Protein change: p.Gln1744Arg; replaces glutamine 1744 with arginine.
Molecular consequence: missense variant.
Genome position (GRCh38, 1-based): chr17:10,523,829, T>C on the plus strand (A>G on the coding strand, the complement: MYH2 is on the minus strand). VCF-style: chr17-10523829-T-C. GRCh37 (hg19) VCF-style: chr17-10427146-T-C.
Other names: c.5231A>G, p.Gln1744Arg (NM_001100112.2); short protein forms Q1744R.
Identifiers: ClinVar variation 1054466 (VCV001054466.1), dbSNP rs1050104425, ClinGen allele CA287735033.